The following is an entry in ClinVar:

ClinVar aggregate classification (germline): Likely benign (1 of 4 stars; one submission).

Allele frequency attached by ClinVar (database versions not stated): gnomAD exomes 0.00252; ExAC 0.00304; 1000 Genomes Project 30x 0.00078; 1000 Genomes Project 0.00080; ESP Exome Variant Server 0.00176.
gnomAD v4.1: 4,205 of 1,614,206 alleles (0.26%); highest among the groups gnomAD compares: Non-Finnish European, 0.26%; 29 homozygotes.

Submission:

CeGaT Center for Human Genetics Tuebingen
Classification: Likely benign. Last evaluated: 2023-12-01. Review status: criteria provided, single submitter. Criteria: CeGaT Center For Human Genetics Tuebingen Variant Classification Criteria Version 2. Collection method: clinical testing. Allele origin: germline. Affected: yes. Observed: 1 variant allele.
Comment: DLEC1: BP4, BS2

NM_007335.4(DLEC1):c.2026G>A (p.Glu676Lys)

Gene: DLEC1 (DLEC1 cilia and flagella associated protein; plus strand). Cytogenetic location: 3p22.2.
Variant type: single nucleotide variant.
Coding change: c.2026G>A on transcript NM_007335.4 (MANE Select); coding-DNA position 2026, G replaced by A.
Protein change: p.Glu676Lys; replaces glutamic acid 676 with lysine.
Molecular consequence: missense variant.
Genome position (GRCh38, 1-based): chr3:38,094,985, G>A. VCF-style: chr3-38094985-G-A. GRCh37 (hg19) VCF-style: chr3-38136476-G-A.
Other names: c.2026G>A, p.Glu676Lys (NM_001321153.2, NM_005106.2, NM_007337.4); short protein forms E676K.
Identifiers: ClinVar variation 3024731 (VCV003024731.22), dbSNP rs34290809, ClinGen allele CA2314217.